The following is an entry in ClinVar:

ClinVar aggregate classification (germline): Uncertain significance (1 of 4 stars; one submission).

Submission:

Women's Health and Genetics/Laboratory Corporation of America, LabCorp
Classification: Uncertain significance. Last evaluated: 2024-09-12. Review status: criteria provided, single submitter. Criteria: LabCorp Variant Classification Summary - May 2015. Collection method: clinical testing. Allele origin: germline.
Comment: Variant summary: COG4 c.1357A>G (p.Ser453Gly) results in a non-conservative amino acid change located in the middle alpha-helical bundle domain (IPR013167) of the encoded protein sequence. Four of four in-silico tools predict a damaging effect of the variant on protein function. The variant was absent in 251186 control chromosomes. The available data on variant occurrences in the general population are insufficient to allow any conclusion about variant significance. To our knowledge, no occurrence of c.1357A>G in individuals affected with COG4-Related Disorders and no experimental evidence demonstrating its impact on protein function have been reported. No submitters have cited clinical-significance assessments for this variant to ClinVar. Based on the evidence outlined above, the variant was classified as uncertain significance.

NM_015386.3(COG4):c.1357A>G (p.Ser453Gly)

Gene: COG4 (component of oligomeric golgi complex 4; minus strand). Cytogenetic location: 16q22.1.
Variant type: single nucleotide variant.
Coding change: c.1357A>G on transcript NM_015386.3 (MANE Select); coding-DNA position 1357, A replaced by G.
Protein change: p.Ser453Gly; replaces serine 453 with glycine.
Molecular consequence: missense variant. On other transcripts: non-coding transcript variant (1).
Genome position (GRCh38, 1-based): chr16:70,497,345, T>C on the plus strand (A>G on the coding strand, the complement: COG4 is on the minus strand). VCF-style: chr16-70497345-T-C. GRCh37 (hg19) VCF-style: chr16-70531248-T-C.
Other names: c.1345A>G, p.Ser449Gly (NM_001195139.2); c.931A>G, p.Ser311Gly (NM_001365426.1); short protein forms S311G, S449G, S453G.
Identifiers: ClinVar variation 3374855 (VCV003374855.1).